The following is an entry in ClinVar:

ClinVar aggregate classification (germline): Uncertain significance (1 of 4 stars; one submission).

Submission:

Labcorp Genetics (formerly Invitae), Labcorp
Classification: Uncertain significance. Last evaluated: 2024-12-18. Review status: criteria provided, single submitter. Criteria: Invitae Variant Classification Sherloc (09022015). Collection method: clinical testing. Allele origin: germline.
Comment: This sequence change falls in intron 10 of the BRWD3 gene. It does not directly change the encoded amino acid sequence of the BRWD3 protein. It affects a nucleotide within the consensus splice site. This variant is not present in population databases (gnomAD no frequency). This variant has not been reported in the literature in individuals affected with BRWD3-related conditions. Variants that disrupt the consensus splice site are a relatively common cause of aberrant splicing (PMID: 17576681, 9536098). Algorithms developed to predict the effect of sequence changes on RNA splicing suggest that this variant is not likely to affect RNA splicing. In summary, the available evidence is currently insufficient to determine the role of this variant in disease. Therefore, it has been classified as a Variant of Uncertain Significance.

Literature cited by the submitters: PubMed 17576681; PubMed 9536098.

NM_153252.5(BRWD3):c.986-3T>C

Gene: BRWD3 (bromodomain and WD repeat domain containing 3; minus strand). Cytogenetic location: Xq21.1.
Variant type: single nucleotide variant.
Coding change: c.986-3T>C on transcript NM_153252.5 (MANE Select); 3 bases into the intron before coding-DNA position 986, T replaced by C.
Molecular consequence: intron variant.
Genome position (GRCh38, 1-based): chrX:80,734,221, A>G on the plus strand (T>C on the coding strand, the complement: BRWD3 is on the minus strand). VCF-style: chrX-80734221-A-G. GRCh37 (hg19) VCF-style: chrX-79989720-A-G.
Identifiers: ClinVar variation 3727505 (VCV003727505.2).